The following is an entry in ClinVar:

ClinVar aggregate classification (germline): Uncertain significance (1 of 4 stars; one submission).

Submission:

GeneDx
Classification: Uncertain significance. Last evaluated: 2025-02-25. Review status: criteria provided, single submitter. Criteria: GeneDx Variant Classification Process June 2021. Collection method: clinical testing. Allele origin: germline. Affected: yes.
Comment: Not observed at significant frequency in large population cohorts (gnomAD); In silico analysis supports that this missense variant has a deleterious effect on protein structure/function; Has not been previously published as pathogenic or benign to our knowledge

NM_144991.3(TSPEAR):c.1033G>C (p.Ala345Pro)

Gene: TSPEAR (thrombospondin type laminin G domain and EAR repeats; minus strand). Cytogenetic location: 21q22.3.
Variant type: single nucleotide variant.
Coding change: c.1033G>C on transcript NM_144991.3 (MANE Select); coding-DNA position 1033, G replaced by C.
Protein change: p.Ala345Pro; replaces alanine 345 with proline.
Molecular consequence: missense variant.
Genome position (GRCh38, 1-based): chr21:44,527,408, C>G on the plus strand (G>C on the coding strand, the complement: TSPEAR is on the minus strand). VCF-style: chr21-44527408-C-G. GRCh37 (hg19) VCF-style: chr21-45947291-C-G.
Other names: c.829G>C, p.Ala277Pro (NM_001272037.2); short protein forms A277P, A345P.
Identifiers: ClinVar variation 4077241 (VCV004077241.1).